The following is an entry in ClinVar:

NR_003051.3(RMRP):n.-10_-9insACTACTCTGTGAAGCACTACTCTGTGAAGCACTACTCTGTGAAGC

Gene: RMRP (RNA component of mitochondrial RNA processing endoribonuclease; minus strand). Cytogenetic location: 9p13.3.
Variant type: Microsatellite.
Genome position: GRCh38, VCF-style position (the base before the change): chr9:35,658,027. GRCh37 (hg19), VCF-style position (the base before the change): chr9:35,658,024.
Identifiers: ClinVar variation 4817173 (VCV004817173.1).
Genomic context (GRCh38, chr9:35,658,027, plus strand): 5'-AGGAACAGAGTCCTCAGTGTGTAGCCTAGGATACAGGCCTTCAGCACGAACCACGTCCTC[A>AGCTTCACAGAGTAGTGCTTCACAGAGTAGTGCTTCACAGAGTAGT]GCTTCACAGAGTAGTATTTTATAGCCCTAAAGAAATTGTGTTTTATGATTAGGGTGAGAA-3'

ClinVar aggregate classification (germline): Pathogenic (1 of 4 stars; one submission).

Conditions:
Metaphyseal chondrodysplasia, McKusick type (CHH). Also called: Cartilage-hair hypoplasia; Cartilage-Hair Hypoplasia (CHH). Identifiers: Orphanet 175, MedGen C0220748, MONDO:0009595, OMIM 250250.

Submission:

Natera, Inc.
Classification: Pathogenic for Cartilage-hair hypoplasia. Last evaluated: 2025-11-26. Review status: criteria provided, single submitter. Criteria: Natera Variant Classification Schema (03/2026). Collection method: clinical testing. Allele origin: germline.
Comment: The n.-10_-9insACTACTCTGTGAAGCACTACTCTGTGAAGCACTACTCTGTGAAGC variant in RMRP is an insertion affecting the RMRP promoter region between the TATA box and the transcription initiation site. Other duplications and insertions just upstream of the transcription initiation site have been reported in individuals affected with cartilage-hair hypoplasia (PMID: 11207361, 17937437). This variant is rare in the general population with a frequency below the threshold expected for the associated phenotype(s). This variant has been observed in one or more individuals affected with the associated recessive disease, as either homozygous or compound heterozygous with a second variant (PMID: 16244706). Given the available evidence, this variant is classified as Pathogenic.

Literature cited by the submitters: PubMed 11207361; PubMed 17937437; PubMed 16244706.